The following is an entry in ClinVar:

NM_018180.3(DHX32):c.980A>G (p.Lys327Arg)

Gene: DHX32 (DEAH-box helicase 32 (putative); minus strand). Cytogenetic location: 10q26.2.
Variant type: single nucleotide variant.
Coding change: c.980A>G on transcript NM_018180.3 (MANE Select); coding-DNA position 980, A replaced by G.
Protein change: p.Lys327Arg; replaces lysine 327 with arginine.
Molecular consequence: missense variant.
Genome position (GRCh38, 1-based): chr10:125,854,073, T>C on the plus strand (A>G on the coding strand, the complement: DHX32 is on the minus strand). VCF-style: chr10-125854073-T-C. GRCh37 (hg19) VCF-style: chr10-127542642-T-C.
Other names: short protein forms K327R.
Identifiers: ClinVar variation 3673839 (VCV003673839.2).

ClinVar aggregate classification (germline): Uncertain significance (1 of 4 stars; one submission).

gnomAD v4.1: 4 of 1,614,016 alleles (0.00025%); highest among the groups gnomAD compares: South Asian, 0.0011%; no homozygotes.

Submission:

Labcorp Genetics (formerly Invitae), Labcorp
Classification: Uncertain significance. Last evaluated: 2024-04-29. Review status: criteria provided, single submitter. Criteria: Invitae Variant Classification Sherloc (09022015). Collection method: clinical testing. Allele origin: germline.
Comment: This sequence change replaces lysine, which is basic and polar, with arginine, which is basic and polar, at codon 327 of the DHX32 protein (p.Lys327Arg). This variant is present in population databases (rs766637302, gnomAD 0.003%). This variant has not been reported in the literature in individuals affected with DHX32-related conditions. Algorithms developed to predict the effect of missense changes on protein structure and function output the following: SIFT: "Not Available"; PolyPhen-2: "Benign"; Align-GVGD: "Not Available". The arginine amino acid residue is found in multiple mammalian species, which suggests that this missense change does not adversely affect protein function. In summary, the available evidence is currently insufficient to determine the role of this variant in disease. Therefore, it has been classified as a Variant of Uncertain Significance.